The following is an entry in ClinVar:

ClinVar aggregate classification (germline): not provided (0 of 4 stars; one submission).

Conditions:
Orthostatic hypotension 1 (ORTHYP1). Also called: Dopamine beta-hydroxylase deficiency; Orthostatic hypotension 1, due to DBH deficiency; NORADRENALINE DEFICIENCY; NOREPINEPHRINE DEFICIENCY. Identifiers: Orphanet 230, MedGen C4746777, MONDO:0009123, OMIM 223360.

Allele frequency attached by ClinVar (database versions not stated): TOPMed below 0.00001; gnomAD 0.00001.
gnomAD v4.1: 13 of 1,613,388 alleles (0.00081%); highest among the groups gnomAD compares: South Asian, 0.0033%; no homozygotes.

Submission:

GeneReviews
No classification provided. Condition: Orthostatic hypotension 1. Review status: no classification provided. Collection method: literature only. Allele origin: germline.
Comment: Identified in Italy [Bartoletti-Stella et al 2015, Donadio et al 2016]

Literature cited by the submitters: PubMed 26410747; PubMed 27237083; NCBI Bookshelf NBK1474.

NM_000787.4(DBH):c.1409C>T (p.Thr470Ile)

Gene: DBH (dopamine beta-hydroxylase; plus strand). Cytogenetic location: 9q34.2.
Variant type: single nucleotide variant.
Coding change: c.1409C>T on transcript NM_000787.4 (MANE Select); coding-DNA position 1409, C replaced by T.
Protein change: p.Thr470Ile; replaces threonine 470 with isoleucine.
Molecular consequence: missense variant.
Genome position (GRCh38, 1-based): chr9:133,652,974, C>T. VCF-style: chr9-133652974-C-T. GRCh37 (hg19) VCF-style: chr9-136518096-C-T.
Other names: short protein forms T470I.
Identifiers: ClinVar variation 1343821 (VCV001343821.2), dbSNP rs770407025, ClinGen allele CA5313504.
Genomic context (GRCh38, chr9:133,652,974, plus strand): 5'-TGATGGTCACATTGGCTTTTCCTCAGGGAGATGTGCTCATCACCTCCTGCACGTACAACA[C>T]AGAAGACCGGGAGCTGGCCACAGTGGTAAGTCACCCCCGCTTCCCCCTGCACCTGCCCAG-3'
Protein context (NP_000778.3, residues 460-480): DVLITSCTYN[Thr470Ile]EDRELATVGG